The following is an entry in ClinVar:

NM_006030.4(CACNA2D2):c.910G>A (p.Gly304Ser)

Gene: CACNA2D2 (calcium voltage-gated channel auxiliary subunit alpha2delta 2; minus strand). Cytogenetic location: 3p21.31.
Variant type: single nucleotide variant.
Coding change: c.910G>A on transcript NM_006030.4 (MANE Select); coding-DNA position 910, G replaced by A.
Protein change: p.Gly304Ser; replaces glycine 304 with serine.
Molecular consequence: missense variant.
Genome position (GRCh38, 1-based): chr3:50,379,808, C>T on the plus strand (G>A on the coding strand, the complement: CACNA2D2 is on the minus strand). VCF-style: chr3-50379808-C-T. GRCh37 (hg19) VCF-style: chr3-50417239-C-T.
Other names: c.910G>A, p.Gly304Ser (NM_001005505.3, NM_001174051.3, NM_001410768.1); c.703G>A, p.Gly235Ser (NM_001291101.1); short protein forms G235S, G304S.
Identifiers: ClinVar variation 4857487 (VCV004857487.1).

ClinVar aggregate classification (germline): Uncertain significance (1 of 4 stars; one submission).

Conditions:
Cerebellar atrophy with seizures and variable developmental delay. Identifiers: MedGen C5193132, MONDO:0032788, OMIM 618501.

gnomAD v4.1: 1 of 1,613,890 alleles (0.000062%); highest among the groups gnomAD compares: South Asian, 0.0011%; no homozygotes.

Submission:

Suma Genomics
Classification: Uncertain significance for Cerebellar atrophy with seizures and variable developmental delay. Review status: criteria provided, single submitter. Criteria: ACMG Guidelines, 2015. Collection method: clinical testing. Allele origin: germline. Inheritance: Autosomal recessive inheritance. Affected: yes. Observed: 1 variant allele, 1 homozygote.
Comment: This variant is observed in one individual in heterozygous state in the gnomAD database. In-silico analysis tool REVEL is consistent in predicting this variant to be disease-causing. ACMG classification: Variant of uncertain significance Criteria met: PM2_Supporting: Extremely low frequency in gnomAD population databases PP3_Moderate: For a missense or a splicing region variant, computational prediction tools unanimously support a deleterious effect on the gene